The following is an entry in ClinVar:

NM_014727.3(KMT2B):c.4116A>G (p.Ser1372=)

Gene: KMT2B (lysine methyltransferase 2B; plus strand). Cytogenetic location: 19q13.12.
Variant type: single nucleotide variant.
Coding change: c.4116A>G on transcript NM_014727.3 (MANE Select); coding-DNA position 4116, A replaced by G.
Protein change: p.Ser1372=; no amino-acid change (serine 1372 retained).
Molecular consequence: synonymous variant.
Genome position (GRCh38, 1-based): chr19:35,727,268, A>G. VCF-style: chr19-35727268-A-G. GRCh37 (hg19) VCF-style: chr19-36218169-A-G.
Identifiers: ClinVar variation 2792405 (VCV002792405.3), dbSNP rs1207359065, ClinGen allele CA507307078.

ClinVar aggregate classification (germline): Uncertain significance (1 of 4 stars; one submission).

Allele frequency attached by ClinVar (database versions not stated): gnomAD exomes below 0.00001.
gnomAD v4.1: 5 of 1,611,604 alleles (0.00031%); highest among the groups gnomAD compares: East Asian, 0.0089%; no homozygotes.

Submission:

Labcorp Genetics (formerly Invitae), Labcorp
Classification: Uncertain significance. Last evaluated: 2023-04-10. Review status: criteria provided, single submitter. Criteria: Invitae Variant Classification Sherloc (09022015). Collection method: clinical testing. Allele origin: germline.
Comment: In summary, the available evidence is currently insufficient to determine the role of this variant in disease. Therefore, it has been classified as a Variant of Uncertain Significance. Algorithms developed to predict the effect of sequence changes on RNA splicing suggest that this variant is not likely to affect RNA splicing. This variant has not been reported in the literature in individuals affected with KMT2B-related conditions. The frequency data for this variant in the population databases is considered unreliable, as metrics indicate poor data quality at this position in the gnomAD database. This sequence change affects codon 1372 of the KMT2B mRNA. It is a 'silent' change, meaning that it does not change the encoded amino acid sequence of the KMT2B protein. It affects a nucleotide within the consensus splice site.